The following is an entry in ClinVar:

NM_005591.4(MRE11):c.1394A>C (p.Glu465Ala)

Gene: MRE11 (MRE11 double strand break repair nuclease; minus strand). Cytogenetic location: 11q21.
Variant type: single nucleotide variant.
Coding change: c.1394A>C on transcript NM_005591.4 (MANE Select); coding-DNA position 1394, A replaced by C.
Protein change: p.Glu465Ala; replaces glutamic acid 465 with alanine.
Molecular consequence: missense variant.
Genome position (GRCh38, 1-based): chr11:94,459,514, T>G on the plus strand (A>C on the coding strand, the complement: MRE11 is on the minus strand). VCF-style: chr11-94459514-T-G. GRCh37 (hg19) VCF-style: chr11-94192680-T-G.
Other names: c.1394A>C, p.Glu465Ala (NM_001330347.2, NM_005590.4); short protein forms E465A.
Identifiers: ClinVar variation 233337 (VCV000233337.5), dbSNP rs876660343, ClinGen allele CA10579376.

ClinVar aggregate classification (germline): Uncertain significance (1 of 4 stars; one submission).

Conditions:
Hereditary cancer-predisposing syndrome. Also called: Neoplastic Syndromes, Hereditary; Tumor predisposition; Hereditary Cancer Syndrome; Hereditary neoplastic syndrome. Identifiers: Orphanet 140162, MedGen C0027672, MeSH D009386, MONDO:0015356.

Submission:

Ambry Genetics
Classification: Uncertain significance for Hereditary cancer-predisposing syndrome. Last evaluated: 2015-08-06. Review status: criteria provided, single submitter. Criteria: Ambry Variant Classification Scheme 2023. Collection method: clinical testing. Allele origin: germline.
Comment: The p.E465A variant (also known as c.1394A>C), located in coding exon 12 of the MRE11A gene, results from an A to C substitution at nucleotide position 1394. The glutamic acid at codon 465 is replaced by alanine, an amino acid with dissimilar properties. This variant was not reported in population based cohorts in the following databases: Database of Single Nucleotide Polymorphisms (dbSNP), NHLBI Exome Sequencing Project (ESP), and 1000 Genomes Project. In the ESP, this variant was not observed in 6499 samples (12998 alleles) with coverage at this position. To date, this alteration has been detected with an allele frequency of approximately 0.002% (greater than 65000 alleles tested) in our clinical cohort. This amino acid position is well conserved in available vertebrate species. In addition, the in silico prediction for this alteration is inconclusive. Since supporting evidence is limited at this time, the clinical significance of p.E465A remains unclear.